The following is an entry in ClinVar:

ClinVar aggregate classification (germline): Uncertain significance (1 of 4 stars; one submission).

Allele frequency attached by ClinVar (database versions not stated): ExAC 0.00002; TOPMed 0.00002; gnomAD 0.00003; gnomAD exomes 0.00003.
gnomAD v4.1: 41 of 1,606,884 alleles (0.0026%); highest among the groups gnomAD compares: Non-Finnish European, 0.0034%; no homozygotes.

Submission:

Labcorp Genetics (formerly Invitae), Labcorp
Classification: Uncertain significance. Last evaluated: 2022-01-21. Review status: criteria provided, single submitter. Criteria: Invitae Variant Classification Sherloc (09022015). Collection method: clinical testing. Allele origin: germline.
Comment: Algorithms developed to predict the effect of missense changes on protein structure and function are either unavailable or do not agree on the potential impact of this missense change (SIFT: "Not Available"; PolyPhen-2: "Benign"; Align-GVGD: "Not Available"). This variant has not been reported in the literature in individuals affected with PISD-related conditions. This variant is present in population databases (rs761093606, gnomAD 0.003%). This sequence change replaces glycine, which is neutral and non-polar, with arginine, which is basic and polar, at codon 15 of the PISD protein (p.Gly15Arg). In summary, the available evidence is currently insufficient to determine the role of this variant in disease. Therefore, it has been classified as a Variant of Uncertain Significance.

NM_001326411.2(PISD):c.43G>A (p.Gly15Arg)

Genes: PISD (phosphatidylserine decarboxylase; minus strand), LOC126863123 (P300/CBP strongly-dependent group 1 enhancer GRCh37_chr22:32057235-32058434; plus strand). Cytogenetic location: 22q12.2.
Variant type: single nucleotide variant.
Coding change: c.43G>A on transcript NM_001326411.2 (MANE Select); coding-DNA position 43, G replaced by A.
Protein change: p.Gly15Arg; replaces glycine 15 with arginine.
Molecular consequence: missense variant. On other transcripts: 5 prime UTR variant (8).
Genome position (GRCh38, 1-based): chr22:31,662,166, C>T on the plus strand (G>A on the coding strand, the complement: PISD is on the minus strand). VCF-style: chr22-31662166-C-T. GRCh37 (hg19) VCF-style: chr22-32058152-C-T.
Other names: c.43G>A, p.Gly15Arg (NM_001326412.1, NM_001326421.1); c.-107G>A (NM_001326413.2); c.-187G>A (NM_001326414.2); c.-400G>A (NM_001326415.2); c.-589G>A (NM_001326416.2); c.-480G>A (NM_001326417.2, NM_001326419.2); c.-58G>A (NM_001326418.2, NM_001326420.2); short protein forms G15R.
Identifiers: ClinVar variation 1897700 (VCV001897700.3), dbSNP rs761093606, ClinGen allele CA10195037.